The following is an entry in ClinVar:

ClinVar aggregate classification (germline): Benign/Likely benign. Review status: criteria provided, multiple submitters, no conflicts (2 of 4 stars). 4 submissions from 4 submitters: Benign (1); Likely benign (3). Last evaluated 2026-01-24.

Conditions:
Combined immunodeficiency due to DOCK8 deficiency (HIES2). Also called: HIES autosomal recessive; Hyper-IgE recurrent infection syndrome, autosomal recessive; DOCK8 Deficiency; HYPER-IgE RECURRENT INFECTION SYNDROME 2, AUTOSOMAL RECESSIVE; HYPER-IgE SYNDROME 2, AUTOSOMAL RECESSIVE, WITH RECURRENT INFECTIONS. Identifiers: Orphanet 217390, MedGen C4722305, MONDO:0009478, OMIM 243700.

Allele frequency attached by ClinVar (database versions not stated): gnomAD exomes 0.00010 and 0.00026; ExAC 0.00038; 1000 Genomes Project 0.00100; gnomAD 0.00105 and 0.00115; 1000 Genomes Project 30x 0.00125; TOPMed 0.00134; ESP Exome Variant Server 0.00177.
gnomAD v4.1: 296 of 1,614,238 alleles (0.018%); highest among the groups gnomAD compares: African/African-American, 0.39%; 1 homozygote.

Submissions (4):

Labcorp Genetics (formerly Invitae), Labcorp
Classification: Benign for Combined immunodeficiency due to DOCK8 deficiency. Last evaluated: 2026-01-24. Review status: criteria provided, single submitter. Criteria: Invitae Variant Classification Sherloc (09022015). Collection method: clinical testing. Allele origin: germline.

Blueprint Genetics
Classification: Likely benign. Last evaluated: 2024-02-20. Review status: criteria provided, single submitter. Criteria: ACMG Guidelines, 2015. Collection method: clinical testing. Allele origin: germline.

Illumina Laboratory Services, Illumina
Classification: Likely benign for Combined immunodeficiency due to DOCK8 deficiency. Last evaluated: 2018-01-12. Review status: criteria provided, single submitter. Criteria: ICSL Variant Classification Criteria 13 December 2019. Collection method: clinical testing. Allele origin: germline.
Comment: This variant was observed in the ICSL laboratory as part of a predisposition screen in an ostensibly healthy population. It had not been previously curated by ICSL or reported in the Human Gene Mutation Database (HGMD: prior to June 1st, 2018), and was therefore a candidate for classification through an automated scoring system. Utilizing variant allele frequency, disease prevalence and penetrance estimates, and inheritance mode, an automated score was calculated to assess if this variant is too frequent to cause the disease. Based on the score and internal cut-off values, a variant classified as likely benign is not then subjected to further curation. The score for this variant resulted in a classification of likely benign for this disease.

GeneDx
Classification: Likely benign. Last evaluated: 2016-09-26. Review status: criteria provided, single submitter. Criteria: GeneDx Variant Classification (06012015). Collection method: clinical testing. Allele origin: germline. Affected: yes.
Comment: This variant is considered likely benign or benign based on one or more of the following criteria: it is a conservative change, it occurs at a poorly conserved position in the protein, it is predicted to be benign by multiple in silico algorithms, and/or has population frequency not consistent with disease.

NM_203447.4(DOCK8):c.3813A>G (p.Lys1271=)

Gene: DOCK8 (dedicator of cytokinesis 8; plus strand). Cytogenetic location: 9p24.3.
Variant type: single nucleotide variant.
Coding change: c.3813A>G on transcript NM_203447.4 (MANE Select); coding-DNA position 3813, A replaced by G.
Protein change: p.Lys1271=; no amino-acid change (lysine 1271 retained).
Molecular consequence: synonymous variant.
Genome position (GRCh38, 1-based): chr9:418,180, A>G. VCF-style: chr9-418180-A-G. GRCh37 (hg19) VCF-style: chr9-418180-A-G.
Other names: c.3513A>G, p.Lys1171= (NM_001190458.2); c.3609A>G, p.Lys1203= (NM_001193536.2).
Identifiers: ClinVar variation 366995 (VCV000366995.16), dbSNP rs75411647, ClinGen allele CA4958830.